The following is an entry in ClinVar:

ClinVar aggregate classification (germline): Uncertain significance. Review status: criteria provided, single submitter (1 of 4 stars). 2 submissions from 2 submitters: Uncertain significance (1). 1 of the submissions does not count toward it. Last evaluated 2025-01-23.

Conditions:
Retinitis pigmentosa 26 (RP26). Identifiers: Orphanet 791, MedGen C1842127, MONDO:0012024, OMIM 608380.

Allele frequency attached by ClinVar (database versions not stated): gnomAD exomes below 0.00001; gnomAD 0.00001; TOPMed 0.00001.
gnomAD v4.1: 3 of 1,603,180 alleles (0.00019%); highest among the groups gnomAD compares: Non-Finnish European, 0.00017%; no homozygotes.

Submissions (2):

Labcorp Genetics (formerly Invitae), Labcorp
Classification: Uncertain significance. Last evaluated: 2025-01-23. Review status: criteria provided, single submitter. Criteria: Invitae Variant Classification Sherloc (09022015). Collection method: clinical testing. Allele origin: germline.
Comment: This sequence change replaces proline, which is neutral and non-polar, with leucine, which is neutral and non-polar, at codon 508 of the CERKL protein (p.Pro508Leu). This variant is present in population databases (no rsID available, gnomAD 0.007%). This variant has not been reported in the literature in individuals affected with CERKL-related conditions. ClinVar contains an entry for this variant (Variation ID: 1003512). Invitae Evidence Modeling of protein sequence and biophysical properties (such as structural, functional, and spatial information, amino acid conservation, physicochemical variation, residue mobility, and thermodynamic stability) indicates that this missense variant is not expected to disrupt CERKL protein function with a negative predictive value of 95%. In summary, the available evidence is currently insufficient to determine the role of this variant in disease. Therefore, it has been classified as a Variant of Uncertain Significance.

Natera, Inc.
Classification: Uncertain significance for Retinitis Pigmentosa 26. Last evaluated: 2021-02-01. Review status: no assertion criteria provided. Collection method: clinical testing. Allele origin: germline. Not counted in ClinVar's aggregate classification.

NM_201548.5(CERKL):c.1445C>T (p.Pro482Leu)

Gene: CERKL (CERK like autophagy regulator; minus strand). Cytogenetic location: 2q31.3.
Variant type: single nucleotide variant.
Coding change: c.1445C>T on transcript NM_201548.5 (MANE Select); coding-DNA position 1445, C replaced by T.
Protein change: p.Pro482Leu; replaces proline 482 with leucine.
Molecular consequence: missense variant. On other transcripts: non-coding transcript variant (2).
Genome position (GRCh38, 1-based): chr2:181,539,185, G>A on the plus strand (C>T on the coding strand, the complement: CERKL is on the minus strand). VCF-style: chr2-181539185-G-A. GRCh37 (hg19) VCF-style: chr2-182403912-G-A.
Other names: c.1523C>T, p.Pro508Leu (NM_001030311.3); c.1106C>T, p.Pro369Leu (NM_001030312.3); c.1238C>T, p.Pro413Leu (NM_001030313.3); c.1391C>T, p.Pro464Leu (NM_001160277.2); short protein forms P369L, P413L, P464L, P482L, P508L.
Identifiers: ClinVar variation 1003512 (VCV001003512.9), dbSNP rs1459300740, ClinGen allele CA349733309.